The following is an entry in ClinVar:

NM_007294.4(BRCA1):c.5451_5455del (p.Asp1818fs)

Gene: BRCA1 (BRCA1 DNA repair associated; minus strand). Cytogenetic location: 17q21.31.
Variant type: Deletion.
Coding change: c.5451_5455del on transcript NM_007294.4 (MANE Select); coding-DNA positions 5451 to 5455, 5 bases deleted (GGACA; older notation c.5451_5455delGGACA).
Protein change: p.Asp1818fs; shifts the reading frame from aspartic acid 1818.
Molecular consequence: frameshift variant.
Genome position (GRCh38, 1-based): chr17:43,047,655-43,047,659, TGTCC deleted on the plus strand (GGACA on the coding strand, the reverse complement: BRCA1 is on the minus strand); deleting any 5 consecutive bases within chr17:43,047,655-43,047,660 gives the same sequence; the c. name uses the placement nearest the transcript's 3' end. VCF-style (leftmost placement, unchanged base first): chr17-43047654-TTGTCC-T. GRCh37 (hg19) VCF-style: chr17-41199671-TTGTCC-T.
Other names: c.2133_2137del, p.Asp712fs (NM_001408406.1, NM_001408407.1, NM_001408408.1); c.2130_2134del, p.Asp711fs (NM_001408409.1); c.2067_2071del, p.Asp690fs (NM_001408410.1); c.2064_2068del, p.Asp689fs (NM_001408411.1); c.2061_2065del, p.Asp688fs (NM_001408412.1, NM_001408413.1, NM_001408414.1 and 2 more transcripts); c.2025_2029del, p.Asp676fs (NM_001408418.1, NM_001408419.1, NM_001408420.1); c.2022_2026del, p.Asp675fs (NM_001408421.1, NM_001408422.1, NM_001408423.1 and 1 more transcripts); c.2019_2023del, p.Asp674fs (NM_001408425.1, NM_001408426.1, NM_001408427.1 and 4 more transcripts); and 84 more; short protein forms G1746fs, D1522fs, D1691fs, D1705fs, D1734fs, D1777fs, D1790fs, D1799fs.
Identifiers: ClinVar variation 2819809 (VCV002819809.3), dbSNP rs2546619470, ClinGen allele CA2739265610.

ClinVar aggregate classification (germline): Pathogenic (1 of 4 stars; one submission).

Conditions:
Hereditary breast ovarian cancer syndrome. Also called: Hereditary breast and ovarian cancer; BRCA1- and BRCA2-Associated Hereditary Breast and Ovarian Cancer; Hereditary breast and ovarian cancer syndrome; Breast and ovarian cancer; Hereditary breast and ovarian cancer syndrome (HBOC); Hereditary breast and/or ovarian cancer syndrome. Identifiers: Orphanet 145, MedGen C0677776, MeSH D061325, MONDO:0003582. Disease mechanism: loss of function.

Submission:

Labcorp Genetics (formerly Invitae), Labcorp
Classification: Pathogenic for Hereditary breast ovarian cancer syndrome. Last evaluated: 2022-12-10. Review status: criteria provided, single submitter. Criteria: Invitae Variant Classification Sherloc (09022015). Collection method: clinical testing. Allele origin: germline.
Comment: This variant disrupts the C-terminal end of the BRCA1 protein partially including the BRCT domain (residues 1646-1859), which is important for DNA repair activity (PMID: 11573086, 14576433, 15133503, 25652403). While functional studies have not been performed to directly test the effect on BRCA1 protein function, this suggests that disruption of the C-terminal portion of the protein is functionally important. For these reasons, this variant has been classified as Pathogenic. A different truncation (p.Tyr1853*) that lies downstream of this variant has been determined to be pathogenic (PMID: 21922593, 10811118, 11739404, 12400015, 7894493, Invitae). This suggests that variants that disrupt this region of the protein are likely to be causative of disease. Algorithms developed to predict the effect of sequence changes on RNA splicing suggest that this variant may disrupt the consensus splice site. This variant has not been reported in the literature in individuals affected with BRCA1-related conditions. This variant is not present in population databases (gnomAD no frequency). This sequence change creates a premature translational stop signal (p.Asp1818Trpfs*10) in the BRCA1 gene. While this is not anticipated to result in nonsense mediated decay, it is expected to disrupt the last 46 amino acid(s) of the BRCA1 protein.

Literature cited by the submitters: PubMed 11573086; PubMed 14576433; PubMed 15133503; PubMed 25652403; PubMed 21922593; PubMed 10811118; PubMed 11739404; PubMed 12400015; PubMed 7894493.